The following is an entry in ClinVar:

NM_006329.4(FBLN5):c.299C>T (p.Ser100Leu)

Gene: FBLN5 (fibulin 5; minus strand). Cytogenetic location: 14q32.12.
Variant type: single nucleotide variant.
Coding change: c.299C>T on transcript NM_006329.4 (MANE Select); coding-DNA position 299, C replaced by T.
Protein change: p.Ser100Leu; replaces serine 100 with leucine.
Molecular consequence: missense variant.
Genome position (GRCh38, 1-based): chr14:91,937,027, G>A on the plus strand (C>T on the coding strand, the complement: FBLN5 is on the minus strand). VCF-style: chr14-91937027-G-A. GRCh37 (hg19) VCF-style: chr14-92403371-G-A.
Other names: c.422C>T, p.Ser141Leu (NM_001384158.1); c.350C>T, p.Ser117Leu (NM_001384159.1); c.299C>T, p.Ser100Leu (NM_001384160.1); c.131C>T, p.Ser44Leu (NM_001384161.1, NM_001384162.1); short protein forms S141L, S44L, S100L, S117L.
Identifiers: ClinVar variation 2787316 (VCV002787316.3), dbSNP rs2542900394, ClinGen allele CA390639779.

ClinVar aggregate classification (germline): Uncertain significance (1 of 4 stars; one submission).

Submission:

Labcorp Genetics (formerly Invitae), Labcorp
Classification: Uncertain significance. Last evaluated: 2025-03-31. Review status: criteria provided, single submitter. Criteria: Invitae Variant Classification Sherloc (09022015). Collection method: clinical testing. Allele origin: germline.
Comment: This sequence change replaces serine, which is neutral and polar, with leucine, which is neutral and non-polar, at codon 100 of the FBLN5 protein (p.Ser100Leu). This variant is not present in population databases (gnomAD no frequency). This variant has not been reported in the literature in individuals affected with FBLN5-related conditions. ClinVar contains an entry for this variant (Variation ID: 2787316). An algorithm developed to predict the effect of missense changes on protein structure and function (PolyPhen-2) suggests that this variant is likely to be tolerated. In summary, the available evidence is currently insufficient to determine the role of this variant in disease. Therefore, it has been classified as a Variant of Uncertain Significance.